The following is an entry in ClinVar:

NM_004500.4(HNRNPC):c.74C>G (p.Thr25Ser)

Gene: HNRNPC (heterogeneous nuclear ribonucleoprotein C; minus strand). Cytogenetic location: 14q11.2.
Variant type: single nucleotide variant.
Coding change: c.74C>G on transcript NM_004500.4 (MANE Select); coding-DNA position 74, C replaced by G.
Protein change: p.Thr25Ser; replaces threonine 25 with serine.
Molecular consequence: missense variant.
Genome position (GRCh38, 1-based): chr14:21,234,120, G>C on the plus strand (C>G on the coding strand, the complement: HNRNPC is on the minus strand). VCF-style: chr14-21234120-G-C. GRCh37 (hg19) VCF-style: chr14-21702279-G-C.
Other names: c.74C>G, p.Thr25Ser (NM_001077442.2, NM_001077443.2, NM_031314.3); short protein forms T25S.
Identifiers: ClinVar variation 3772083 (VCV003772083.13).
Genomic context (GRCh38, chr14:21,234,120, plus strand): 5'-CCCACAATTTTGCCATACTTCGAAAAGATTGCCTCCACATCAGATTTCTTGACCACAAGA[G>C]TGTTGAGATTCCCAATGAATACACGGGAGTTCATGGAGCGAGGATCTGTCTTGTTGGTAA-3'
Protein context (NP_004491.2, residues 15-35): NSRVFIGNLN[Thr25Ser]LVVKKSDVEA

ClinVar aggregate classification (germline): Uncertain significance (1 of 4 stars; one submission).

Submission:

CeGaT Center for Human Genetics Tuebingen
Classification: Uncertain significance. Last evaluated: 2024-12-01. Review status: criteria provided, single submitter. Criteria: CeGaT Center For Human Genetics Tuebingen Variant Classification Criteria Version 2. Collection method: clinical testing. Allele origin: germline. Affected: yes. Observed: 1 variant allele.
Comment: HNRNPC: PM2, PP2